The following is an entry in ClinVar:

NM_000489.6(ATRX):c.3279G>C (p.Arg1093Ser)

Gene: ATRX (ATRX chromatin remodeler; minus strand). Cytogenetic location: Xq21.1.
Variant type: single nucleotide variant.
Coding change: c.3279G>C on transcript NM_000489.6 (MANE Select); coding-DNA position 3279, G replaced by C.
Protein change: p.Arg1093Ser; replaces arginine 1093 with serine.
Molecular consequence: missense variant.
Genome position (GRCh38, 1-based): chrX:77,681,977, C>G on the plus strand (G>C on the coding strand, the complement: ATRX is on the minus strand). VCF-style: chrX-77681977-C-G. GRCh37 (hg19) VCF-style: chrX-76937469-C-G.
Other names: c.3165G>C, p.Arg1055Ser (NM_138270.5); short protein forms R1055S, R1093S.
Identifiers: ClinVar variation 3359431 (VCV003359431.2).
Genomic context (GRCh38, chrX:77,681,977, plus strand): 5'-CTCAGTATCAGATGATGAACAATCTTGTCTCTTCCTTGAACTCTTTCCAAGCAACTTGCA[C>G]CTTTTCTTCTCTCTACCATATGCTCCATTCTTACTCTTTTTATCCTCTGAAGAGTCACAA-3'
Protein context (NP_000480.3, residues 1083-1103): KNGAYGREKK[Arg1093Ser]CKLLGKSSRK

ClinVar aggregate classification (germline): Uncertain significance. Review status: criteria provided, multiple submitters, no conflicts (2 of 4 stars). 2 submissions from 2 submitters: Uncertain significance (2). Last evaluated 2025-05-13.

Conditions:
Inborn genetic diseases. Identifiers: MedGen C0950123, MeSH D030342.

gnomAD v4.1: 1 of 1,208,399 alleles (0.000083%); highest among the groups gnomAD compares: African/African-American, 0.0018%; no homozygotes.

Submissions (2):

Ambry Genetics
Classification: Uncertain significance for Inborn genetic diseases. Last evaluated: 2025-05-13. Review status: criteria provided, single submitter. Criteria: Ambry Variant Classification Scheme 2023. Collection method: clinical testing. Allele origin: germline.

GeneDx
Classification: Uncertain significance. Last evaluated: 2023-06-06. Review status: criteria provided, single submitter. Criteria: GeneDx Variant Classification Process June 2021. Collection method: clinical testing. Allele origin: germline. Affected: yes.
Comment: Not observed at significant frequency in large population cohorts (gnomAD); In silico analysis supports that this missense variant does not alter protein structure/function; Has not been previously published as pathogenic or benign to our knowledge